The following is an entry in ClinVar:

NM_001040142.2(SCN2A):c.4369A>G (p.Ile1457Val)

Gene: SCN2A (sodium voltage-gated channel alpha subunit 2; plus strand). Cytogenetic location: 2q24.3.
Variant type: single nucleotide variant.
Coding change: c.4369A>G on transcript NM_001040142.2 (MANE Select); coding-DNA position 4369, A replaced by G.
Protein change: p.Ile1457Val; replaces isoleucine 1457 with valine.
Molecular consequence: missense variant.
Genome position (GRCh38, 1-based): chr2:165,380,652, A>G. VCF-style: chr2-165380652-A-G. GRCh37 (hg19) VCF-style: chr2-166237162-A-G.
Other names: p.I1457V:ATT>GTT; c.4369A>G, p.Ile1457Val (NM_001040143.2, NM_001371246.1, NM_001371247.1 and 1 more transcripts); short protein forms I1457V.
Identifiers: ClinVar variation 207004 (VCV000207004.5), dbSNP rs796053142, ClinGen allele CA317973.
Genomic context (GRCh38, chr2:165,380,652, plus strand): 5'-GTAGAATTACAACCCAAGTATGAAGACAACCTGTACATGTATCTTTATTTTGTCATCTTT[A>G]TTATTTTTGGTTCATTCTTTACCTTGAATCTTTTCATTGGTGTCATCATAGATAACTTCA-3'
Protein context (NP_001035232.1, residues 1447-1467): LYMYLYFVIF[Ile1457Val]IFGSFFTLNL

ClinVar aggregate classification (germline): Uncertain significance. Review status: criteria provided, multiple submitters, no conflicts (2 of 4 stars). 2 submissions from 2 submitters: Uncertain significance (2). Last evaluated 2023-02-02.

Conditions:
Seizures, benign familial infantile, 3 (BFIS3). Also called: CONVULSIONS, BENIGN FAMILIAL INFANTILE, 3; Familial neonatal seizures. Identifiers: Orphanet 140927, Orphanet 306, MedGen C1843140, MONDO:0011904, OMIM 607745.
Developmental and epileptic encephalopathy, 11 (DEE11). Also called: Early infantile epileptic encephalopathy 11. Identifiers: Orphanet 1934, MedGen C3150987, MONDO:0013388, OMIM 613721.

Submissions (2):

Labcorp Genetics (formerly Invitae), Labcorp
Classification: Uncertain significance for Seizures, benign familial infantile, 3; Developmental and epileptic encephalopathy, 11. Last evaluated: 2023-02-02. Review status: criteria provided, single submitter. Criteria: Invitae Variant Classification Sherloc (09022015). Collection method: clinical testing. Allele origin: germline.
Comment: This sequence change replaces isoleucine, which is neutral and non-polar, with valine, which is neutral and non-polar, at codon 1457 of the SCN2A protein (p.Ile1457Val). This variant is not present in population databases (gnomAD no frequency). This variant has not been reported in the literature in individuals affected with SCN2A-related conditions. ClinVar contains an entry for this variant (Variation ID: 207004). Advanced modeling of protein sequence and biophysical properties (such as structural, functional, and spatial information, amino acid conservation, physicochemical variation, residue mobility, and thermodynamic stability) performed at Invitae indicates that this missense variant is expected to disrupt SCN2A protein function. In summary, the available evidence is currently insufficient to determine the role of this variant in disease. Therefore, it has been classified as a Variant of Uncertain Significance.

GeneDx
Classification: Uncertain significance. Last evaluated: 2013-05-13. Review status: criteria provided, single submitter. Criteria: GeneDx Variant Classification (06012015). Collection method: clinical testing. Allele origin: germline. Affected: yes.
Comment: p.Ile1457Val (ATT>GTT): c.4369 A>G in exon 24 of the SCN2A gene (NM_021007.2). The Ile1457Val missense change has not been published as a mutation, nor has it been reported as a benign polymorphism to our knowledge. It was not observed in approximately 6,500 individuals of European and African American ancestry in the NHLBI Exome Sequencing Project, indicating it is not a common benign variant in these populations. The amino acid substitution is conservative as both Isoleucine and Valine are uncharged, non-polar amino acid residues. Ile1457Val alters a highly conserved position in the S6 segment of the third transmembrane domain of the SCN2A protein; however, to our knowledge, other missense mutations in this region of the protein have not been published in association with epilepsy. In addition, while some in-silico algorithms predict Ile1457Val may be damaging to the structure/function of the protein, another model predicts it may be benign. Therefore, based on the currently available information, it is unclear whether Ile1457Val is a disease-causing mutation or a rare benign variant. The variant is found in INFANT-EPI panel(s).